The following is an entry in ClinVar:

ClinVar aggregate classification (germline): Conflicting classifications of pathogenicity. Review status: criteria provided, conflicting classifications (1 of 4 stars). 2 submissions from 2 submitters: Uncertain significance (1); Likely benign (1). Last evaluated 2026-02-19.

Conditions:
Microcephaly 18, primary, autosomal dominant (MCPH18). Identifiers: MedGen C4479608, MONDO:0054593, OMIM 617520.

Submissions (2):

Centre for Medical Genetics,  Mumbai
Classification: Likely benign for Microcephaly 18, primary, autosomal dominant. Last evaluated: 2026-02-19. Review status: criteria provided, single submitter. Criteria: ACMG Guidelines, 2015. Collection method: provider interpretation. Allele origin: germline. Inheritance: Autosomal dominant inheritance. Affected: no. Observed: 1 heterozygote.
Comment: The variant satisfies PM2 criteria; extremely low frequency in gnomAD population databases. The variant satisfies PP2 criteria; missense variant in a gene with low rate of benign missense mutations and for which missense mutation is a common mechanism of a disease. The variant satisfies BP4 criteria; for a missense or a splice region variant, computational prediction tools unanimously support a benign effect on the gene. However, the variant satisfies BS2 criteria.

GeneDx
Classification: Uncertain significance. Last evaluated: 2024-05-16. Review status: criteria provided, single submitter. Criteria: GeneDx Variant Classification Process June 2021. Collection method: clinical testing. Allele origin: germline. Affected: yes.
Comment: Not observed at significant frequency in large population cohorts (gnomAD); In silico analysis indicates that this missense variant does not alter protein structure/function; Has not been previously published as pathogenic or benign to our knowledge

Literature cited by the submitters: PubMed 27008544 (cited by Centre for Medical Genetics,  Mumbai).

NM_014991.6(WDFY3):c.5908A>C (p.Ile1970Leu)

Gene: WDFY3 (WD repeat and FYVE domain containing 3; minus strand). Cytogenetic location: 4q21.23.
Variant type: single nucleotide variant.
Coding change: c.5908A>C on transcript NM_014991.6 (MANE Select); coding-DNA position 5908, A replaced by C.
Protein change: p.Ile1970Leu; replaces isoleucine 1970 with leucine.
Molecular consequence: missense variant.
Genome position (GRCh38, 1-based): chr4:84,751,548, T>G on the plus strand (A>C on the coding strand, the complement: WDFY3 is on the minus strand). VCF-style: chr4-84751548-T-G. GRCh37 (hg19) VCF-style: chr4-85672701-T-G.
Other names: short protein forms I1970L.
Identifiers: ClinVar variation 3377961 (VCV003377961.2).